The following is an entry in ClinVar:

NM_001330078.2(NRXN1):c.463G>A (p.Val155Ile)

Gene: NRXN1 (neurexin 1; minus strand). Cytogenetic location: 2p16.3.
Variant type: single nucleotide variant.
Coding change: c.463G>A on transcript NM_001330078.2 (MANE Select); coding-DNA position 463, G replaced by A.
Protein change: p.Val155Ile; replaces valine 155 with isoleucine.
Molecular consequence: missense variant.
Genome position (GRCh38, 1-based): chr2:51,027,811, C>T on the plus strand (G>A on the coding strand, the complement: NRXN1 is on the minus strand). VCF-style: chr2-51027811-C-T. GRCh37 (hg19) VCF-style: chr2-51254949-C-T.
Other names: c.463G>A, p.Val155Ile (NM_001135659.3, NM_001330077.2, NM_001330079.2 and 15 more transcripts); short protein forms V155I.
Identifiers: ClinVar variation 2795703 (VCV002795703.3), dbSNP rs1575277312, ClinGen allele CA346823944.

ClinVar aggregate classification (germline): Uncertain significance (1 of 4 stars; one submission).

Conditions:
Pitt-Hopkins-like syndrome 2 (PTHSL2). Identifiers: Orphanet 221150, Orphanet 600663, MedGen C3280479, MONDO:0013690, OMIM 614325.

Allele frequency attached by ClinVar (database versions not stated): gnomAD exomes below 0.00001; TOPMed below 0.00001; gnomAD 0.00001.
gnomAD v4.1: 2 of 1,613,158 alleles (0.00012%); highest among the groups gnomAD compares: Non-Finnish European, 0.00017%; no homozygotes.

Submission:

Labcorp Genetics (formerly Invitae), Labcorp
Classification: Uncertain significance for Pitt-Hopkins-like syndrome 2. Last evaluated: 2023-01-12. Review status: criteria provided, single submitter. Criteria: Invitae Variant Classification Sherloc (09022015). Collection method: clinical testing. Allele origin: germline.
Comment: In summary, the available evidence is currently insufficient to determine the role of this variant in disease. Therefore, it has been classified as a Variant of Uncertain Significance. Algorithms developed to predict the effect of missense changes on protein structure and function output the following: SIFT: "Tolerated"; PolyPhen-2: "Benign"; Align-GVGD: "Class C0". The isoleucine amino acid residue is found in multiple mammalian species, which suggests that this missense change does not adversely affect protein function. This variant has not been reported in the literature in individuals affected with NRXN1-related conditions. This variant is not present in population databases (gnomAD no frequency). This sequence change replaces valine, which is neutral and non-polar, with isoleucine, which is neutral and non-polar, at codon 155 of the NRXN1 protein (p.Val155Ile).